The following is an entry in ClinVar:

NM_001378778.1(MPDZ):c.328dup (p.Ile110fs)

Gene: MPDZ (multiple PDZ domain crumbs cell polarity complex component; minus strand). Cytogenetic location: 9p23.
Variant type: Duplication.
Coding change: c.328dup on transcript NM_001378778.1 (MANE Select); coding-DNA position 328, one base duplicated (A; older notation c.328dupA).
Protein change: p.Ile110fs; shifts the reading frame from isoleucine 110.
Molecular consequence: frameshift variant.
Genome position (GRCh38, 1-based): chr9:13,224,439, T duplicated on the plus strand (A on the coding strand, the reverse complement: MPDZ is on the minus strand). VCF-style (leftmost placement, unchanged base first): chr9-13224438-A-AT. GRCh37 (hg19) VCF-style: chr9-13224437-A-AT.
Other names: c.328dup, p.Ile110fs (NM_001261406.2, NM_001261407.2, NM_001330637.2 and 14 more transcripts); short protein forms I110fs.
Identifiers: ClinVar variation 3001988 (VCV003001988.3), dbSNP rs2497745541, ClinGen allele CA2579302816.

ClinVar aggregate classification (germline): Pathogenic (1 of 4 stars; one submission).

Allele frequency attached by ClinVar (database versions not stated): gnomAD exomes below 0.00001.

Submission:

Labcorp Genetics (formerly Invitae), Labcorp
Classification: Pathogenic. Last evaluated: 2023-04-29. Review status: criteria provided, single submitter. Criteria: Invitae Variant Classification Sherloc (09022015). Collection method: clinical testing. Allele origin: germline.
Comment: This sequence change creates a premature translational stop signal (p.Ile110Asnfs*5) in the MPDZ gene. It is expected to result in an absent or disrupted protein product. Loss-of-function variants in MPDZ are known to be pathogenic (PMID: 23240096, 28556411). This variant is not present in population databases (gnomAD no frequency). This variant has not been reported in the literature in individuals affected with MPDZ-related conditions. For these reasons, this variant has been classified as Pathogenic.

Literature cited by the submitters: PubMed 23240096; PubMed 28556411.